The following is an entry in ClinVar:

ClinVar aggregate classification (germline): Uncertain significance (1 of 4 stars; one submission).

Submission:

Labcorp Genetics (formerly Invitae), Labcorp
Classification: Uncertain significance. Last evaluated: 2021-03-26. Review status: criteria provided, single submitter. Criteria: Invitae Variant Classification Sherloc (09022015). Collection method: clinical testing. Allele origin: germline.
Comment: In summary, the available evidence is currently insufficient to determine the role of this variant in disease. Therefore, it has been classified as a Variant of Uncertain Significance. Algorithms developed to predict the effect of missense changes on protein structure and function (SIFT, PolyPhen-2, Align-GVGD) all suggest that this variant is likely to be tolerated, but these predictions have not been confirmed by published functional studies and their clinical significance is uncertain. This variant has not been reported in the literature in individuals with ERBB2-related conditions. This variant is not present in population databases (ExAC no frequency). This sequence change replaces methionine with leucine at codon 827 of the ERBB2 protein (p.Met827Leu). The methionine residue is weakly conserved and there is a small physicochemical difference between methionine and leucine.

NM_004448.4(ERBB2):c.2479A>C (p.Met827Leu)

Gene: ERBB2 (erb-b2 receptor tyrosine kinase 2; plus strand). Cytogenetic location: 17q12.
Variant type: single nucleotide variant.
Coding change: c.2479A>C on transcript NM_004448.4 (MANE Select); coding-DNA position 2479, A replaced by C.
Protein change: p.Met827Leu; replaces methionine 827 with leucine.
Molecular consequence: missense variant. On other transcripts: non-coding transcript variant (1), intron variant (2).
Genome position (GRCh38, 1-based): chr17:39,724,897, A>C. VCF-style: chr17-39724897-A-C. GRCh37 (hg19) VCF-style: chr17-37881150-A-C.
Other names: c.2389A>C, p.Met797Leu (NM_001005862.3, NM_001382782.1, NM_001382783.1); c.2434A>C, p.Met812Leu (NM_001289936.2); c.2479A>C, p.Met827Leu (NM_001289937.2, NM_001382796.1, NM_001382798.1); c.2596A>C, p.Met866Leu (NM_001382784.1); c.2581A>C, p.Met861Leu (NM_001382785.1); c.2560A>C, p.Met854Leu (NM_001382786.1); c.2554A>C, p.Met852Leu (NM_001382787.1); c.2509A>C, p.Met837Leu (NM_001382788.1); and 13 more; short protein forms M827L, M834L, M837L, M852L, M866L, M481L, M551L, M767L.
Identifiers: ClinVar variation 1400303 (VCV001400303.8), dbSNP rs2145853826, ClinGen allele CA399303882.
Genomic context (GRCh38, chr17:39,724,897, plus strand): 5'-TTAGACCATGTCCGGGAAAACCGCGGACGCCTGGGCTCCCAGGACCTGCTGAACTGGTGT[A>C]TGCAGATTGCCAAGGTATGCACCTGGGCTCTTTGCAGGTCTCTCCGGAGCAAACCCCTAT-3'
Protein context (NP_004439.2, residues 817-837): LGSQDLLNWC[Met827Leu]QIAKGMSYLE